The following is an entry in ClinVar:

NM_005633.4(SOS1):c.1795C>A (p.Pro599Thr)

Gene: SOS1 (SOS Ras/Rac guanine nucleotide exchange factor 1; minus strand). Cytogenetic location: 2p22.1.
Variant type: single nucleotide variant.
Coding change: c.1795C>A on transcript NM_005633.4 (MANE Select); coding-DNA position 1795, C replaced by A.
Protein change: p.Pro599Thr; replaces proline 599 with threonine.
Molecular consequence: missense variant.
Genome position (GRCh38, 1-based): chr2:39,022,633, G>T on the plus strand (C>A on the coding strand, the complement: SOS1 is on the minus strand). VCF-style: chr2-39022633-G-T. GRCh37 (hg19) VCF-style: chr2-39249774-G-T.
Other names: c.1774C>A, p.Pro592Thr (NM_001382394.1); c.1795C>A, p.Pro599Thr (NM_001382395.1); short protein forms P592T, P599T.
Identifiers: ClinVar variation 2580077 (VCV002580077.3), dbSNP rs1474528754, ClinGen allele CA346365368.
Genomic context (GRCh38, chr2:39,022,633, plus strand): 5'-CGTACATATGGTACGTAAGCCTCTCTATAAGTTTAATAACAGTTCCTGCTTTGATAATTG[G>T]AATTCCAGCCTTGGGCTGCATGTTCTCTTCAAATATAATATTCTCTTCAGAGTCAGGCTC-3'
Protein context (NP_005624.2, residues 589-609): EENMQPKAGI[Pro599Thr]IIKAGTVIKL

ClinVar aggregate classification (germline): Uncertain significance. Review status: criteria provided, multiple submitters, no conflicts (2 of 4 stars). 3 submissions from 3 submitters: Uncertain significance (3). Last evaluated 2025-06-11.

Conditions:
SOS1-related disorder. Also called: SOS1-related condition.
Cardiovascular phenotype. Identifiers: MedGen CN230736.

Allele frequency attached by ClinVar (database versions not stated): TOPMed below 0.00001.

Submissions (3):

PreventionGenetics, part of Exact Sciences
Classification: Uncertain significance for SOS1-related condition. Last evaluated: 2025-06-11. Review status: criteria provided, single submitter. Criteria: ACMG Guidelines, 2015. Collection method: clinical testing. Allele origin: germline.
Comment: The SOS1 c.1795C>A variant is predicted to result in the amino acid substitution p.Pro599Thr. To our knowledge, this variant has not been reported in the literature or in a large population database (gnomAD), indicating this variant is rare. At this time, the clinical significance of this variant is uncertain due to the absence of conclusive functional and genetic evidence.

Ambry Genetics
Classification: Uncertain significance for Cardiovascular phenotype. Last evaluated: 2025-05-24. Review status: criteria provided, single submitter. Criteria: Ambry Variant Classification Scheme 2023. Collection method: clinical testing. Allele origin: germline.
Comment: The p.P599T variant (also known as c.1795C>A), located in coding exon 10 of the SOS1 gene, results from a C to A substitution at nucleotide position 1795. The proline at codon 599 is replaced by threonine, an amino acid with highly similar properties. This amino acid position is conserved. In addition, this alteration is predicted to be deleterious by in silico analysis. Based on the available evidence, the clinical significance of this variant remains unclear.

GeneDx
Classification: Uncertain significance. Last evaluated: 2023-03-16. Review status: criteria provided, single submitter. Criteria: GeneDx Variant Classification Process June 2021. Collection method: clinical testing. Allele origin: germline. Affected: yes.
Comment: Identified in a patient with adrenocortical carcinoma (ACC) who also harbored a variant in the EGFR gene (Akhavanfard et al., 2021); Not observed at significant frequency in large population cohorts (gnomAD); Missense variants in this gene are often considered pathogenic (HGMD); In silico analysis supports that this missense variant has a deleterious effect on protein structure/function; This variant is associated with the following publications: (PMID: 29493581, 33326033)